The following is an entry in ClinVar:

ClinVar aggregate classification (germline): Likely benign. Review status: criteria provided, multiple submitters, no conflicts (2 of 4 stars). 10 submissions from 9 submitters: Likely benign (7). 3 of the submissions do not count toward it. Last evaluated 2026-01-14.

Conditions:
NOTCH1-related disorder. Also called: NOTCH1-related condition; NOTCH1-related disorders.
Adams-Oliver syndrome 5 (AOS5). Identifiers: Orphanet 974, MedGen C4014970, MONDO:0014459, OMIM 616028.
Aortic valve disease 1 (AOVD1). Identifiers: MedGen C3887892, MONDO:0024523, OMIM 109730.
Pulmonary arterial hypertension. Identifiers: Orphanet 182090, MedGen C2973725, MeSH D000081029, MONDO:0015924, HP:0002092.
Familial thoracic aortic aneurysm and aortic dissection (TAAD). Also called: Thoracic aortic aneurysms and dissections. Identifiers: Orphanet 91387, MedGen C4707243, MONDO:0019625.

Allele frequency attached by ClinVar (database versions not stated): gnomAD exomes 0.00011 and 0.00025; ESP Exome Variant Server 0.00066; 1000 Genomes Project 30x 0.00078; gnomAD 0.00103 and 0.00115; TOPMed 0.00103; ExAC 0.00028; 1000 Genomes Project 0.00040.
gnomAD v4.1: 323 of 1,606,536 alleles (0.02%); highest among the groups gnomAD compares: African/African-American, 0.36%; no homozygotes.

Submissions (10):

Labcorp Genetics (formerly Invitae), Labcorp
Classification: Likely benign for Adams-Oliver syndrome 5. Last evaluated: 2026-01-14. Review status: criteria provided, single submitter. Criteria: Invitae Variant Classification Sherloc (09022015). Collection method: clinical testing. Allele origin: germline.

Women's Health and Genetics/Laboratory Corporation of America, LabCorp
Classification: Likely benign. Last evaluated: 2023-07-21. Review status: criteria provided, single submitter. Criteria: LabCorp Variant Classification Summary - May 2015. Collection method: clinical testing. Allele origin: germline.

Genome-Nilou Lab
Classification: Likely benign for Adams-Oliver syndrome 5. Last evaluated: 2022-03-15. Review status: criteria provided, single submitter. Criteria: ACMG Guidelines, 2015. Collection method: clinical testing. Allele origin: germline. Affected: no.

Genome-Nilou Lab
Classification: Likely benign for Aortic valve disease 1. Last evaluated: 2022-03-15. Review status: criteria provided, single submitter. Criteria: ACMG Guidelines, 2015. Collection method: clinical testing. Allele origin: germline. Affected: no.

Fulgent Genetics
Classification: Likely benign for Aortic valve disease 1; Adams-Oliver syndrome 5. Last evaluated: 2021-10-01. Review status: criteria provided, single submitter. Criteria: ACMG Guidelines, 2015. Collection method: clinical testing. Allele origin: unknown.

GeneDx
Classification: Likely benign. Last evaluated: 2021-04-23. Review status: criteria provided, single submitter. Criteria: GeneDx Variant Classification Process June 2021. Collection method: clinical testing. Allele origin: germline. Affected: yes.

Ambry Genetics
Classification: Likely benign for Familial thoracic aortic aneurysm and aortic dissection. Last evaluated: 2018-10-24. Review status: criteria provided, single submitter. Criteria: Ambry Variant Classification Scheme 2023. Collection method: clinical testing. Allele origin: germline.

John Welsh Cardiovascular Diagnostic Laboratory, Baylor College of Medicine
Classification: Benign for Pulmonary arterial hypertension. Last evaluated: 2022-09-26. Review status: no assertion criteria provided. Criteria: ACMG Guidelines, 2015. Collection method: clinical testing. Allele origin: germline. Not counted in ClinVar's aggregate classification.

PreventionGenetics, part of Exact Sciences
Classification: Likely benign for NOTCH1-related condition. Last evaluated: 2020-10-20. Review status: no assertion criteria provided. Collection method: clinical testing. Allele origin: germline. Not counted in ClinVar's aggregate classification.
Comment: This variant is classified as likely benign based on ACMG/AMP sequence variant interpretation guidelines (Richards et al. 2015 PMID: 25741868, with internal and published modifications).

ITMI
No classification provided. Condition: AllHighlyPenetrant. Last evaluated: 2013-09-19. Review status: no classification provided. Collection method: reference population. Allele origin: germline. Not counted in ClinVar's aggregate classification.
Comment: Please see associated publication for description of ethnicities

Literature cited by the submitters: PubMed 24943832 (cited by Women's Health and Genetics/Laboratory Corporation of America, LabCorp); PubMed 16614245 (cited by Women's Health and Genetics/Laboratory Corporation of America, LabCorp); PubMed 21670202 (cited by Women's Health and Genetics/Laboratory Corporation of America, LabCorp); PubMed 22210878 (cited by Women's Health and Genetics/Laboratory Corporation of America, LabCorp); PubMed 19635999 (cited by Women's Health and Genetics/Laboratory Corporation of America, LabCorp); PubMed 26837699 (cited by Women's Health and Genetics/Laboratory Corporation of America, LabCorp); PubMed 23086750 (cited by Women's Health and Genetics/Laboratory Corporation of America, LabCorp); PubMed 19245433 (cited by Women's Health and Genetics/Laboratory Corporation of America, LabCorp); PubMed 22077063 (cited by Women's Health and Genetics/Laboratory Corporation of America, LabCorp); PubMed 15472075 (cited by Women's Health and Genetics/Laboratory Corporation of America, LabCorp); PubMed 23734977 (cited by Women's Health and Genetics/Laboratory Corporation of America, LabCorp); PubMed 22858860 (cited by Women's Health and Genetics/Laboratory Corporation of America, LabCorp); PubMed 24728327 (cited by ITMI).

NM_017617.5(NOTCH1):c.7648A>G (p.Ile2550Val)

Gene: NOTCH1 (notch receptor 1; minus strand). Cytogenetic location: 9q34.3.
Variant type: single nucleotide variant.
Coding change: c.7648A>G on transcript NM_017617.5 (MANE Select); coding-DNA position 7648, A replaced by G.
Protein change: p.Ile2550Val; replaces isoleucine 2550 with valine.
Molecular consequence: missense variant.
Genome position (GRCh38, 1-based): chr9:136,496,091, T>C on the plus strand (A>G on the coding strand, the complement: NOTCH1 is on the minus strand). VCF-style: chr9-136496091-T-C. GRCh37 (hg19) VCF-style: chr9-139390543-T-C.
Other names: c.7648A>G, p.Ile2550Val (LRG_1122t1); c.7648A>G (NM_017617.4); short protein forms I2550V.
Identifiers: ClinVar variation 134945 (VCV000134945.21), dbSNP rs188270459, ClinGen allele CA161217.